The following is an entry in ClinVar:

ClinVar aggregate classification (germline): Uncertain significance. Review status: criteria provided, multiple submitters, no conflicts (2 of 4 stars). 2 submissions from 2 submitters: Uncertain significance (2). Last evaluated 2025-07-17.

Conditions:
Cardiomyopathy (CMYO). Also called: Cardiomyopathies. Identifiers: Orphanet 167848, MedGen C0878544, MONDO:0004994, HP:0001638. Inheritance: Various modes of inheritance.
Cardiovascular phenotype. Identifiers: MedGen CN230736.

Allele frequency attached by ClinVar (database versions not stated): ExAC 0.00002; gnomAD exomes 0.00001.
gnomAD v4.1: 4 of 1,613,604 alleles (0.00025%); highest among the groups gnomAD compares: East Asian, 0.0089%; no homozygotes.

Submissions (2):

Ambry Genetics
Classification: Uncertain significance for Cardiovascular phenotype. Last evaluated: 2025-07-17. Review status: criteria provided, single submitter. Criteria: Ambry Variant Classification Scheme 2023. Collection method: clinical testing. Allele origin: germline.
Comment: The p.F424L variant (also known as c.1272C>G), located in coding exon 14 of the RYR2 gene, results from a C to G substitution at nucleotide position 1272. The phenylalanine at codon 424 is replaced by leucine, an amino acid with highly similar properties. This amino acid position is well conserved in available vertebrate species. In addition, the in silico prediction for this alteration is inconclusive. Based on the available evidence, the clinical significance of this variant remains unclear.

Color Diagnostics, LLC DBA Color Health
Classification: Uncertain significance for Cardiomyopathy. Last evaluated: 2023-12-04. Review status: criteria provided, single submitter. Criteria: ACMG Guidelines, 2015. Collection method: clinical testing. Allele origin: germline.
Comment: This missense variant replaces phenylalanine with leucine at codon 424 of the RYR2 protein. Computational prediction tools and conservation analyses are inconclusive regarding the impact of this variant on protein structure and function. Splice site prediction tools suggest that this variant may not impact RNA splicing. To our knowledge, functional studies have not been performed for this variant. This variant has not been reported in individuals affected with cardiovascular disorders in the literature. This variant has been identified in 3/249014 chromosomes in the general population by the Genome Aggregation Database (gnomAD). The available evidence is insufficient to determine the role of this variant in disease conclusively. Therefore, this variant is classified as a Variant of Uncertain Significance.

NM_001035.3(RYR2):c.1272C>G (p.Phe424Leu)

Gene: RYR2 (ryanodine receptor 2; plus strand). Cytogenetic location: 1q43.
Variant type: single nucleotide variant.
Coding change: c.1272C>G on transcript NM_001035.3 (MANE Select); coding-DNA position 1272, C replaced by G.
Protein change: p.Phe424Leu; replaces phenylalanine 424 with leucine.
Molecular consequence: missense variant.
Genome position (GRCh38, 1-based): chr1:237,445,502, C>G. VCF-style: chr1-237445502-C-G. GRCh37 (hg19) VCF-style: chr1-237608802-C-G.
Other names: c.1272C>G (NM_001035.2); short protein forms F424L.
Identifiers: ClinVar variation 919998 (VCV000919998.6), dbSNP rs767394797, ClinGen allele CA085223.